The following is an entry in ClinVar:

NM_001085458.2(CTNND1):c.751C>T (p.Pro251Ser)

Genes: TMX2-CTNND1 (TMX2-CTNND1 readthrough (NMD candidate); plus strand), CTNND1 (catenin delta 1; plus strand). Cytogenetic location: 11q12.1.
Variant type: single nucleotide variant.
Coding change: c.751C>T on transcript NM_001085458.2 (MANE Select); coding-DNA position 751, C replaced by T.
Protein change: p.Pro251Ser; replaces proline 251 with serine.
Molecular consequence: missense variant. On other transcripts: non-coding transcript variant (1).
Genome position (GRCh38, 1-based): chr11:57,796,787, C>T. VCF-style: chr11-57796787-C-T. GRCh37 (hg19) VCF-style: chr11-57564259-C-T.
Other names: c.751C>T, p.Pro251Ser (NM_001085459.2, NM_001085460.2, NM_001085461.2 and 3 more transcripts); c.448C>T, p.Pro150Ser (NM_001085463.2, NM_001085464.2, NM_001085465.2 and 5 more transcripts); c.589C>T, p.Pro197Ser (NM_001206883.2, NM_001206884.2, NM_001206886.2 and 4 more transcripts); short protein forms P150S, P197S, P251S.
Identifiers: ClinVar variation 3774879 (VCV003774879.1).

ClinVar aggregate classification (germline): Uncertain significance (1 of 4 stars; one submission).

gnomAD v4.1: 3 of 1,609,806 alleles (0.00019%); highest among the groups gnomAD compares: South Asian, 0.0011%; no homozygotes.

Submission:

GeneDx
Classification: Uncertain significance. Last evaluated: 2024-09-29. Review status: criteria provided, single submitter. Criteria: GeneDx Variant Classification Process June 2021. Collection method: clinical testing. Allele origin: germline. Affected: yes.
Comment: Not observed at significant frequency in large population cohorts (gnomAD); In silico analysis supports that this missense variant has a deleterious effect on protein structure/function; Has not been previously published as pathogenic or benign to our knowledge